The following is an entry in ClinVar:

NM_004186.5(SEMA3F):c.1963C>T (p.Arg655Cys)

Gene: SEMA3F (semaphorin 3F; plus strand). Cytogenetic location: 3p21.31.
Variant type: single nucleotide variant.
Coding change: c.1963C>T on transcript NM_004186.5 (MANE Select); coding-DNA position 1963, C replaced by T.
Protein change: p.Arg655Cys; replaces arginine 655 with cysteine.
Molecular consequence: missense variant.
Genome position (GRCh38, 1-based): chr3:50,187,720, C>T. VCF-style: chr3-50187720-C-T. GRCh37 (hg19) VCF-style: chr3-50225153-C-T.
Other names: c.1666C>T, p.Arg556Cys (NM_001318798.2); c.1870C>T, p.Arg624Cys (NM_001318800.2); short protein forms R624C, R655C, R556C.
Identifiers: ClinVar variation 4982156 (VCV004982156.1).

ClinVar aggregate classification (germline): Uncertain significance (1 of 4 stars; one submission).

Conditions:
SEMA3F-related disorder. Also called: SEMA3F-related condition.

gnomAD v4.1: 9 of 1,594,680 alleles (0.00056%); highest among the groups gnomAD compares: Non-Finnish European, 0.00077%; no homozygotes.

Submission:

PreventionGenetics, part of Exact Sciences
Classification: Uncertain significance for SEMA3F-related condition. Last evaluated: 2025-03-28. Review status: criteria provided, single submitter. Criteria: ACMG Guidelines, 2015. Collection method: clinical testing. Allele origin: germline.
Comment: The SEMA3F c.1963C>T variant is predicted to result in the amino acid substitution p.Arg655Cys. To our knowledge, this variant has not been reported in the literature. This variant is reported in 0.0018% of alleles in individuals of European (Non-Finnish) descent in gnomAD. At this time, the clinical significance of this variant is uncertain due to the absence of conclusive functional and genetic evidence.